The following is an entry in ClinVar:

ClinVar aggregate classification (germline): Likely benign (1 of 4 stars; one submission).

Allele frequency attached by ClinVar (database versions not stated): gnomAD 0.00672 and 0.00715; TOPMed 0.00763; 1000 Genomes Project 0.00799; 1000 Genomes Project 30x 0.00890.
gnomAD v4.1: 1,627 of 843,268 alleles (0.19%); highest among the groups gnomAD compares: African/African-American, 2.3%; 11 homozygotes.

Submission:

GeneDx
Classification: Likely benign. Last evaluated: 2018-06-14. Review status: criteria provided, single submitter. Criteria: GeneDx Variant Classification (06012015). Collection method: clinical testing. Allele origin: germline. Affected: yes.
Comment: This variant is considered likely benign or benign based on one or more of the following criteria: it is a conservative change, it occurs at a poorly conserved position in the protein, it is predicted to be benign by multiple in silico algorithms, and/or has population frequency not consistent with disease.

NM_025219.3(DNAJC5):c.107+115G>A

Gene: DNAJC5 (DnaJ heat shock protein family (Hsp40) member C5; plus strand). Cytogenetic location: 20q13.33.
Variant type: single nucleotide variant.
Coding change: c.107+115G>A on transcript NM_025219.3 (MANE Select); 115 bases into the intron after coding-DNA position 107, G replaced by A.
Molecular consequence: intron variant.
Genome position (GRCh38, 1-based): chr20:63,928,567, G>A. VCF-style: chr20-63928567-G-A. GRCh37 (hg19) VCF-style: chr20-62559920-G-A.
Identifiers: ClinVar variation 675162 (VCV000675162.1), dbSNP rs114760990, ClinGen allele CA317519049.
Genomic context (GRCh38, chr20:63,928,567, plus strand): 5'-GTGGTTTAGTCTGCATTTTACCAAGAACCATTGCACATACTTTATCCTGGCCGACTCAGC[G>A]TTGAACTGGTCACAGCTCGGTAACACCTTTGTATGTGTAATGTGCTCCTTATAGCTTAAA-3'